The following is an entry in ClinVar:

ClinVar aggregate classification (germline): Uncertain significance (1 of 4 stars; one submission).

Submission:

Labcorp Genetics (formerly Invitae), Labcorp
Classification: Uncertain significance. Last evaluated: 2023-08-24. Review status: criteria provided, single submitter. Criteria: Invitae Variant Classification Sherloc (09022015). Collection method: clinical testing. Allele origin: germline.
Comment: Advanced modeling of protein sequence and biophysical properties (such as structural, functional, and spatial information, amino acid conservation, physicochemical variation, residue mobility, and thermodynamic stability) performed at Invitae indicates that this missense variant is expected to disrupt TUBA8 protein function. ClinVar contains an entry for this variant (Variation ID: 2097253). In summary, the available evidence is currently insufficient to determine the role of this variant in disease. Therefore, it has been classified as a Variant of Uncertain Significance. This variant has not been reported in the literature in individuals affected with TUBA8-related conditions. This variant is not present in population databases (gnomAD no frequency). This sequence change replaces leucine, which is neutral and non-polar, with valine, which is neutral and non-polar, at codon 23 of the TUBA8 protein (p.Leu23Val).

NM_018943.3(TUBA8):c.67C>G (p.Leu23Val)

Gene: TUBA8 (tubulin alpha 8; plus strand). Cytogenetic location: 22q11.21.
Variant type: single nucleotide variant.
Coding change: c.67C>G on transcript NM_018943.3 (MANE Select); coding-DNA position 67, C replaced by G.
Protein change: p.Leu23Val; replaces leucine 23 with valine.
Molecular consequence: missense variant. On other transcripts: 5 prime UTR variant (1).
Genome position (GRCh38, 1-based): chr22:18,121,542, C>G. VCF-style: chr22-18121542-C-G. GRCh37 (hg19) VCF-style: chr22-18604309-C-G.
Other names: c.-132C>G (NM_001193414.2); short protein forms L23V.
Identifiers: ClinVar variation 2097253 (VCV002097253.4), dbSNP rs2517703095, ClinGen allele CA410261415.